The following is an entry in ClinVar:

ClinVar aggregate classification (germline): Uncertain significance. Review status: criteria provided, multiple submitters, no conflicts (2 of 4 stars). 2 submissions from 2 submitters: Uncertain significance (2). Last evaluated 2023-10-18.

Allele frequency attached by ClinVar (database versions not stated): ExAC 0.00001; gnomAD exomes 0.00002 and 0.00004; gnomAD 0.00004 and 0.00005; TOPMed 0.00005.
gnomAD v4.1: 66 of 1,613,892 alleles (0.0041%); highest among the groups gnomAD compares: Non-Finnish European, 0.0051%; no homozygotes.

Submissions (2):

Blueprint Genetics
Classification: Uncertain significance. Last evaluated: 2023-10-18. Review status: criteria provided, single submitter. Criteria: ACMG Guidelines, 2015. Collection method: clinical testing. Allele origin: germline.

Labcorp Genetics (formerly Invitae), Labcorp
Classification: Uncertain significance. Last evaluated: 2022-07-24. Review status: criteria provided, single submitter. Criteria: Invitae Variant Classification Sherloc (09022015). Collection method: clinical testing. Allele origin: germline.
Comment: This sequence change replaces valine, which is neutral and non-polar, with isoleucine, which is neutral and non-polar, at codon 308 of the RDH11 protein (p.Val308Ile). This variant is present in population databases (rs746804933, gnomAD 0.004%). This variant has not been reported in the literature in individuals affected with RDH11-related conditions. ClinVar contains an entry for this variant (Variation ID: 835033). Algorithms developed to predict the effect of missense changes on protein structure and function (SIFT, PolyPhen-2, Align-GVGD) all suggest that this variant is likely to be tolerated. In summary, the available evidence is currently insufficient to determine the role of this variant in disease. Therefore, it has been classified as a Variant of Uncertain Significance.

NM_016026.4(RDH11):c.922G>A (p.Val308Ile)

Genes: GPHN (gephyrin; plus strand), RDH11 (retinol dehydrogenase 11; minus strand). Cytogenetic location: 14q24.1.
Variant type: single nucleotide variant.
Coding change: c.922G>A on transcript NM_016026.4 (MANE Select); coding-DNA position 922, G replaced by A.
Protein change: p.Val308Ile; replaces valine 308 with isoleucine.
Molecular consequence: missense variant.
Genome position (GRCh38, 1-based): chr14:67,678,356, C>T on the plus strand (G>A on the coding strand, the complement: RDH11 is on the minus strand). VCF-style: chr14-67678356-C-T. GRCh37 (hg19) VCF-style: chr14-68145073-C-T.
Other names: c.712G>A, p.Val238Ile (NM_001252650.2); short protein forms V238I, V308I.
Identifiers: ClinVar variation 835033 (VCV000835033.6), dbSNP rs746804933, ClinGen allele CA7238261.